The following is an entry in ClinVar:

NM_000393.5(COL5A2):c.2955A>G (p.Pro985=)

Gene: COL5A2 (collagen type V alpha 2 chain; minus strand). Cytogenetic location: 2q32.2.
Variant type: single nucleotide variant.
Coding change: c.2955A>G on transcript NM_000393.5 (MANE Select); coding-DNA position 2955, A replaced by G.
Protein change: p.Pro985=; no amino-acid change (proline 985 retained).
Molecular consequence: synonymous variant.
Genome position (GRCh38, 1-based): chr2:189,050,653, T>C on the plus strand (A>G on the coding strand, the complement: COL5A2 is on the minus strand). VCF-style: chr2-189050653-T-C. GRCh37 (hg19) VCF-style: chr2-189915379-T-C.
Identifiers: ClinVar variation 931340 (VCV000931340.3), dbSNP rs1685766586, ClinGen allele CA430322218.

ClinVar aggregate classification (germline): Uncertain significance (1 of 4 stars; one submission).

Conditions:
Ehlers-Danlos syndrome, classic type, 2 (EDSCL2). Also called: Ehlers-Danlos syndrome, type 2; Ehlers-Danlos syndrome type 2 (formerly); Ehlers-Danlos Syndrome, Classic Type, COL5A2-Related. Identifiers: Orphanet 287, Orphanet 90318, MedGen C0268336, MONDO:0019568, OMIM 130010.

Submission:

Centre for Mendelian Genomics, University Medical Centre Ljubljana
Classification: Uncertain significance for Ehlers-Danlos syndrome, classic type, 2. Last evaluated: 2018-12-03. Review status: criteria provided, single submitter. Criteria: ACMG Guidelines, 2015. Collection method: clinical testing. Allele origin: unknown. Affected: yes.
Comment: This variant was classified as: Uncertain significance. The available evidence on this variant's pathogenicity is insufficient or conflicting. The following ACMG criteria were applied in classifying this variant: PM2.